The following is an entry in ClinVar:

NM_003803.4(MYOM1):c.1817A>T (p.Asp606Val)

Gene: MYOM1 (myomesin 1; minus strand). Cytogenetic location: 18p11.31.
Variant type: single nucleotide variant.
Coding change: c.1817A>T on transcript NM_003803.4 (MANE Select); coding-DNA position 1817, A replaced by T.
Protein change: p.Asp606Val; replaces aspartic acid 606 with valine.
Molecular consequence: missense variant.
Genome position (GRCh38, 1-based): chr18:3,151,720, T>A on the plus strand (A>T on the coding strand, the complement: MYOM1 is on the minus strand). VCF-style: chr18-3151720-T-A. GRCh37 (hg19) VCF-style: chr18-3151718-T-A.
Other names: c.1817A>T, p.Asp606Val (NM_019856.2); short protein forms D606V.
Identifiers: ClinVar variation 2447664 (VCV002447664.2), dbSNP rs1368256168, ClinGen allele CA401714051.

ClinVar aggregate classification (germline): Uncertain significance (1 of 4 stars; one submission).

Allele frequency attached by ClinVar (database versions not stated): TOPMed below 0.00001; gnomAD 0.00001.
gnomAD v4.1: 3 of 1,613,606 alleles (0.00019%); highest among the groups gnomAD compares: African/African-American, 0.004%; no homozygotes.

Submission:

Ambry Genetics
Classification: Uncertain significance. Last evaluated: 2022-11-19. Review status: criteria provided, single submitter. Criteria: Ambry Variant Classification Scheme 2023. Collection method: clinical testing. Allele origin: germline.
Comment: The p.D606V variant (also known as c.1817A>T), located in coding exon 11 of the MYOM1 gene, results from an A to T substitution at nucleotide position 1817. The aspartic acid at codon 606 is replaced by valine, an amino acid with highly dissimilar properties. This amino acid position is conserved. In addition, this alteration is predicted to be deleterious by in silico analysis. Since supporting evidence is limited at this time, the clinical significance of this alteration remains unclear.